The following is an entry in ClinVar:

NM_005619.5(RTN2):c.482C>A (p.Ser161Tyr)

Genes: OPA3-RTN2 (OPA3-RTN2 readthrough; minus strand), RTN2 (reticulon 2; minus strand). Cytogenetic location: 19q13.32.
Variant type: single nucleotide variant.
Coding change: c.482C>A on transcript NM_005619.5 (MANE Select); coding-DNA position 482, C replaced by A.
Protein change: p.Ser161Tyr; replaces serine 161 with tyrosine.
Molecular consequence: missense variant.
Genome position (GRCh38, 1-based): chr19:45,494,603, G>T on the plus strand (C>A on the coding strand, the complement: RTN2 is on the minus strand). VCF-style: chr19-45494603-G-T. GRCh37 (hg19) VCF-style: chr19-45997861-G-T.
Other names: c.482C>A, p.Ser161Tyr (NM_206900.3); short protein forms S161Y.
Identifiers: ClinVar variation 1054984 (VCV001054984.9), dbSNP rs770628974, ClinGen allele CA406361666.

ClinVar aggregate classification (germline): Uncertain significance (1 of 4 stars; one submission).

Conditions:
Spastic paraplegia. Identifiers: MedGen C0037772, HP:0001258.

Allele frequency attached by ClinVar (database versions not stated): TOPMed below 0.00001.
gnomAD v4.1: 4 of 1,614,044 alleles (0.00025%); highest among the groups gnomAD compares: Non-Finnish European, 0.00034%; no homozygotes.

Submission:

Labcorp Genetics (formerly Invitae), Labcorp
Classification: Uncertain significance for Spastic paraplegia. Last evaluated: 2020-03-19. Review status: criteria provided, single submitter. Criteria: Invitae Variant Classification Sherloc (09022015). Collection method: clinical testing. Allele origin: germline.
Comment: This variant has not been reported in the literature in individuals with RTN2-related conditions. This variant is not present in population databases (ExAC no frequency). This sequence change replaces serine with tyrosine at codon 161 of the RTN2 protein (p.Ser161Tyr). The serine residue is weakly conserved and there is a large physicochemical difference between serine and tyrosine. Algorithms developed to predict the effect of missense changes on protein structure and function (SIFT, PolyPhen-2, Align-GVGD) all suggest that this variant is likely to be tolerated, but these predictions have not been confirmed by published functional studies and their clinical significance is uncertain. In summary, the available evidence is currently insufficient to determine the role of this variant in disease. Therefore, it has been classified as a Variant of Uncertain Significance.